The following is an entry in ClinVar:

ClinVar aggregate classification (germline): Uncertain significance (1 of 4 stars; one submission).

Conditions:
Dyskeratosis congenita, autosomal dominant 2. Identifiers: MedGen C3151443, MONDO:0013521, OMIM 613989.
Idiopathic Pulmonary Fibrosis. Also called: Idiopathic fibrosing alveolitis, chronic form; idiopathic fibrosing alveolitis. Identifiers: Orphanet 2032, MedGen C1800706, MeSH D054990, MONDO:0800504.

Submission:

Labcorp Genetics (formerly Invitae), Labcorp
Classification: Uncertain significance for Dyskeratosis congenita, autosomal dominant 2; Idiopathic Pulmonary Fibrosis. Last evaluated: 2021-08-24. Review status: criteria provided, single submitter. Criteria: Invitae Variant Classification Sherloc (09022015). Collection method: clinical testing. Allele origin: germline.
Comment: This sequence change replaces histidine with proline at codon 189 of the TERT protein (p.His189Pro). The histidine residue is weakly conserved and there is a moderate physicochemical difference between histidine and proline. This variant is not present in population databases (ExAC no frequency). This variant has not been reported in the literature in individuals affected with TERT-related conditions. Algorithms developed to predict the effect of missense changes on protein structure and function output the following: SIFT: "Tolerated"; PolyPhen-2: "Benign"; Align-GVGD: "Class C0". The proline amino acid residue is found in multiple mammalian species, which suggests that this missense change does not adversely affect protein function. In summary, the available evidence is currently insufficient to determine the role of this variant in disease. Therefore, it has been classified as a Variant of Uncertain Significance.

NM_198253.3(TERT):c.566A>C (p.His189Pro)

Gene: TERT (telomerase reverse transcriptase; minus strand). Cytogenetic location: 5p15.33.
Variant type: single nucleotide variant.
Coding change: c.566A>C on transcript NM_198253.3 (MANE Select); coding-DNA position 566, A replaced by C.
Protein change: p.His189Pro; replaces histidine 189 with proline.
Molecular consequence: missense variant. On other transcripts: non-coding transcript variant (2).
Genome position (GRCh38, 1-based): chr5:1,294,320, T>G on the plus strand (A>C on the coding strand, the complement: TERT is on the minus strand). VCF-style: chr5-1294320-T-G. GRCh37 (hg19) VCF-style: chr5-1294435-T-G.
Other names: c.566A>C, p.His189Pro (NM_001193376.3); short protein forms H189P.
Identifiers: ClinVar variation 661085 (VCV000661085.6), dbSNP rs769638625, ClinGen allele CA359057452.
Genomic context (GRCh38, chr5:1,294,320, plus strand): 5'-TCCCTGACGCTATGGTTCCAGGCCCGTTCGCATCCCAGACGCCTTCGGGGTCCACTAGCG[T>G]GTGGCGGGGGCCGGGCCTGAGTGGCAGCGCCGAGCTGGTACAGCGGCGGCCCGCACACCT-3'
Protein context (NP_937983.2, residues 179-199): GAATQARPPP[His189Pro]ASGPRRRLGC